The following is an entry in ClinVar:

NM_005482.3(PIGK):c.30T>C (p.Ala10=)

Gene: PIGK (phosphatidylinositol glycan anchor biosynthesis class K; minus strand). Cytogenetic location: 1p31.1.
Variant type: single nucleotide variant.
Coding change: c.30T>C on transcript NM_005482.3 (MANE Select); coding-DNA position 30, T replaced by C.
Protein change: p.Ala10=; no amino-acid change (alanine 10 retained).
Molecular consequence: synonymous variant.
Genome position (GRCh38, 1-based): chr1:77,219,373, A>G on the plus strand (T>C on the coding strand, the complement: PIGK is on the minus strand). VCF-style: chr1-77219373-A-G. GRCh37 (hg19) VCF-style: chr1-77685058-A-G.
Identifiers: ClinVar variation 2638887 (VCV002638887.24), dbSNP rs559718599, ClinGen allele CA916083.

ClinVar aggregate classification (germline): Likely benign (1 of 4 stars; one submission).

Allele frequency attached by ClinVar (database versions not stated): gnomAD 0.00003; 1000 Genomes Project 0.00020; 1000 Genomes Project 30x 0.00031.
gnomAD v4.1: 12 of 1,613,796 alleles (0.00074%); highest among the groups gnomAD compares: Admixed American, 0.02%; no homozygotes.

Submission:

CeGaT Center for Human Genetics Tuebingen
Classification: Likely benign. Last evaluated: 2023-03-01. Review status: criteria provided, single submitter. Criteria: CeGaT Center For Human Genetics Tuebingen Variant Classification Criteria Version 2. Collection method: clinical testing. Allele origin: germline. Affected: yes. Observed: 1 variant allele.
Comment: PIGK: BP4, BP7